The following is an entry in ClinVar:

ClinVar aggregate classification (germline): Uncertain significance. Review status: criteria provided, multiple submitters, no conflicts (2 of 4 stars). 3 submissions from 2 submitters: Uncertain significance (3). Last evaluated 2025-09-02.

Conditions:
Cranioectodermal dysplasia 4 (CED4). Identifiers: Orphanet 1515, MedGen C3280616, MONDO:0013719, OMIM 614378.
Asphyxiating thoracic dystrophy 5 (SRTD5). Also called: SHORT-RIB THORACIC DYSPLASIA 5 WITHOUT POLYDACTYLY; SHORT-RIB THORACIC DYSPLASIA 5 WITH OR WITHOUT POLYDACTYLY. Identifiers: Orphanet 474, MedGen C3280598, MONDO:0013717, OMIM 614376.
Senior-Loken syndrome 8 (SLSN8). Identifiers: Orphanet 3156, MedGen C4225376, MONDO:0014579, OMIM 616307.

Allele frequency attached by ClinVar (database versions not stated): gnomAD exomes below 0.00001 and 0.00001.
gnomAD v4.1: 4 of 1,613,948 alleles (0.00025%); highest among the groups gnomAD compares: Non-Finnish European, 0.000085%; no homozygotes.

Submissions (3):

Labcorp Genetics (formerly Invitae), Labcorp
Classification: Uncertain significance for Senior-Loken syndrome 8; Asphyxiating thoracic dystrophy 5. Last evaluated: 2025-09-02. Review status: criteria provided, single submitter. Criteria: Invitae Variant Classification Sherloc (09022015). Collection method: clinical testing. Allele origin: germline.
Comment: This sequence change replaces leucine, which is neutral and non-polar, with isoleucine, which is neutral and non-polar, at codon 1259 of the WDR19 protein (p.Leu1259Ile). This variant is present in population databases (no rsID available, gnomAD 0.009%). This variant has not been reported in the literature in individuals affected with WDR19-related conditions. ClinVar contains an entry for this variant (Variation ID: 348756). Invitae Evidence Modeling of protein sequence and biophysical properties (such as structural, functional, and spatial information, amino acid conservation, physicochemical variation, residue mobility, and thermodynamic stability) indicates that this missense variant is not expected to disrupt WDR19 protein function with a negative predictive value of 80%. In summary, the available evidence is currently insufficient to determine the role of this variant in disease. Therefore, it has been classified as a Variant of Uncertain Significance.

Illumina Laboratory Services, Illumina
Classification: Uncertain significance for Asphyxiating thoracic dystrophy 5. Last evaluated: 2018-01-13. Review status: criteria provided, single submitter. Criteria: ICSL Variant Classification Criteria 13 December 2019. Collection method: clinical testing. Allele origin: germline.

Illumina Laboratory Services, Illumina
Classification: Uncertain significance for Cranioectodermal dysplasia 4. Last evaluated: 2018-01-13. Review status: criteria provided, single submitter. Criteria: ICSL Variant Classification Criteria 13 December 2019. Collection method: clinical testing. Allele origin: germline.

NM_025132.4(WDR19):c.3775C>A (p.Leu1259Ile)

Gene: WDR19 (WD repeat domain 19; plus strand). Cytogenetic location: 4p14.
Variant type: single nucleotide variant.
Coding change: c.3775C>A on transcript NM_025132.4 (MANE Select); coding-DNA position 3775, C replaced by A.
Protein change: p.Leu1259Ile; replaces leucine 1259 with isoleucine.
Molecular consequence: missense variant.
Genome position (GRCh38, 1-based): chr4:39,277,078, C>A. VCF-style: chr4-39277078-C-A. GRCh37 (hg19) VCF-style: chr4-39278698-C-A.
Other names: c.3295C>A, p.Leu1099Ile (NM_001317924.2); short protein forms L1259I, L1099I.
Identifiers: ClinVar variation 348756 (VCV000348756.9), dbSNP rs886059403, ClinGen allele CA10621023.